The following is an entry in ClinVar:

ClinVar aggregate classification (germline): Uncertain significance (1 of 4 stars; one submission).

Conditions:
Inborn genetic diseases. Identifiers: MedGen C0950123, MeSH D030342.

Submission:

Ambry Genetics
Classification: Uncertain significance for Inborn genetic diseases. Last evaluated: 2024-10-25. Review status: criteria provided, single submitter. Criteria: Ambry Variant Classification Scheme 2023. Collection method: clinical testing. Allele origin: germline.
Comment: The p.R105G variant (also known as c.313C>G), located in coding exon 2 of the MRAS gene, results from a C to G substitution at nucleotide position 313. The arginine at codon 105 is replaced by glycine, an amino acid with dissimilar properties. This amino acid position is conserved. In addition, this alteration is predicted to be deleterious by in silico analysis. Based on the available evidence, the clinical significance of this variant remains unclear.

NM_001085049.3(MRAS):c.313C>G (p.Arg105Gly)

Gene: MRAS (muscle RAS oncogene homolog; plus strand). Cytogenetic location: 3q22.3.
Variant type: single nucleotide variant.
Coding change: c.313C>G on transcript NM_001085049.3 (MANE Select); coding-DNA position 313, C replaced by G.
Protein change: p.Arg105Gly; replaces arginine 105 with glycine.
Molecular consequence: missense variant.
Genome position (GRCh38, 1-based): chr3:138,397,443, C>G. VCF-style: chr3-138397443-C-G. GRCh37 (hg19) VCF-style: chr3-138116285-C-G.
Other names: c.313C>G, p.Arg105Gly (NM_001252090.2, NM_012219.4); c.85C>G, p.Arg29Gly (NM_001252091.1, NM_001252092.2, NM_001252093.2); short protein forms R105G, R29G.
Identifiers: ClinVar variation 3397799 (VCV003397799.1).